The following is an entry in ClinVar:

NM_001371596.2(MFSD8):c.1102+1G>A

Gene: MFSD8 (major facilitator superfamily domain containing 8; minus strand). Cytogenetic location: 4q28.2.
Variant type: single nucleotide variant.
Coding change: c.1102+1G>A on transcript NM_001371596.2 (MANE Select); the canonical splice donor site of the intron after coding-DNA position 1102, G replaced by A.
Molecular consequence: splice donor variant. On other transcripts: intron variant (1).
Genome position (GRCh38, 1-based): chr4:127,921,859, C>T on the plus strand (G>A on the coding strand, the complement: MFSD8 is on the minus strand). VCF-style: chr4-127921859-C-T. GRCh37 (hg19) VCF-style: chr4-128843014-C-T.
Other names: c.820+1G>A (NM_001371595.1); c.652+1G>A (NM_001410765.1); c.967+1G>A (NM_001371590.2); c.1102+1G>A (NM_152778.4, NM_001371591.2); c.787+1G>A (NM_001363521.3); c.885-88G>A (NM_001410766.1); c.988+1G>A (NM_001371593.2); c.901+1G>A (NM_001363520.3); and 2 more.
Identifiers: ClinVar variation 1895607 (VCV001895607.8), dbSNP rs2546048023, ClinGen allele CA358171597.

ClinVar aggregate classification (germline): Likely pathogenic. Review status: criteria provided, multiple submitters, no conflicts (2 of 4 stars). 2 submissions from 2 submitters: Likely pathogenic (2). Last evaluated 2022-11-10.

Conditions:
Neuronal ceroid lipofuscinosis 7 (CLN7). Also called: MFSD8-Related Neuronal Ceroid-Lipofuscinosis. Identifiers: Orphanet 168491, Orphanet 228366, MedGen C1838571, MONDO:0012588, OMIM 610951.

Submissions (2):

Revvity Omics, Revvity
Classification: Likely pathogenic. Last evaluated: 2022-11-10. Review status: criteria provided, single submitter. Criteria: ACMG Guidelines, 2015. Collection method: clinical testing. Allele origin: germline.

Labcorp Genetics (formerly Invitae), Labcorp
Classification: Likely pathogenic for Neuronal ceroid lipofuscinosis 7. Last evaluated: 2022-03-08. Review status: criteria provided, single submitter. Criteria: Invitae Variant Classification Sherloc (09022015). Collection method: clinical testing. Allele origin: germline.
Comment: Algorithms developed to predict the effect of sequence changes on RNA splicing suggest that this variant may disrupt the consensus splice site. This variant has not been reported in the literature in individuals affected with MFSD8-related conditions. This variant is not present in population databases (gnomAD no frequency). This sequence change affects a donor splice site in intron 11 of the MFSD8 gene. It is expected to disrupt RNA splicing. Variants that disrupt the donor or acceptor splice site typically lead to a loss of protein function (PMID: 16199547), and loss-of-function variants in MFSD8 are known to be pathogenic (PMID: 19177532, 25227500, 28586915). In summary, the currently available evidence indicates that the variant is pathogenic, but additional data are needed to prove that conclusively. Therefore, this variant has been classified as Likely Pathogenic.

Literature cited by the submitters: PubMed 16199547 (cited by Labcorp Genetics (formerly Invitae), Labcorp); PubMed 19177532 (cited by Labcorp Genetics (formerly Invitae), Labcorp); PubMed 25227500 (cited by Labcorp Genetics (formerly Invitae), Labcorp); PubMed 28586915 (cited by Labcorp Genetics (formerly Invitae), Labcorp).